The following is an entry in ClinVar:

NM_001277115.2(DNAH11):c.13500_13504del (p.Glu4500fs)

Genes: CDCA7L (cell division cycle associated 7 like; minus strand), DNAH11 (dynein axonemal heavy chain 11; plus strand). Cytogenetic location: 7p15.3.
Variant type: Microsatellite.
Coding change: c.13500_13504del on transcript NM_001277115.2 (MANE Select); coding-DNA positions 13500 to 13504, 5 bases deleted (GAAGA; older notation c.13500_13504delGAAGA).
Protein change: p.Glu4500fs; shifts the reading frame from glutamic acid 4500.
Molecular consequence: frameshift variant. On other transcripts: 3 prime UTR variant (3).
Genome position (GRCh38, 1-based): chr7:21,901,203-21,901,207, GAAGA deleted; deleting any 5 consecutive bases within chr7:21,901,198-21,901,207 gives the same sequence; the c. name uses the placement nearest the transcript's 3' end. VCF-style (leftmost placement, unchanged base first): chr7-21901197-CGAAGA-C. GRCh37 (hg19) VCF-style: chr7-21940815-CGAAGA-C.
Other names: c.*1115TCTTC[1] (NM_001127370.3, NM_001127371.3, NM_018719.5); short protein forms E4500fs.
Identifiers: ClinVar variation 1069068 (VCV001069068.18), dbSNP rs72658839, ClinGen allele CA2580615860.
Genomic context (GRCh38, chr7:21,901,197, plus strand): 5'-CCCTGTGTATAGAACCAAACTGAGAGGCCCCAGCTACATCTGGACCTTCAGGCTGAAGAG[CGAAGA>C]GAAGACTGCAAAATGGGTTCTGGCTGGAGTGGCTCTGCTTCTAGAAGCGTAAGGTAACAC-3'

ClinVar aggregate classification (germline): Conflicting classifications of pathogenicity. Review status: criteria provided, conflicting classifications (1 of 4 stars). 2 submissions from 2 submitters: Pathogenic (1); Uncertain significance (1). Last evaluated 2022-05-04.

Conditions:
Primary ciliary dyskinesia. Also called: Ciliary dyskinesia. Identifiers: Orphanet 244, MedGen C0008780, MONDO:0016575, HP:0012265.

Submissions (2):

Mendelics
Classification: Uncertain significance. Last evaluated: 2022-05-04. Review status: criteria provided, single submitter. Criteria: Mendelics Assertion Criteria 2019. Collection method: clinical testing. Allele origin: germline.

Labcorp Genetics (formerly Invitae), Labcorp
Classification: Pathogenic for Primary ciliary dyskinesia. Last evaluated: 2020-01-06. Review status: criteria provided, single submitter. Criteria: Invitae Variant Classification Sherloc (09022015). Collection method: clinical testing. Allele origin: germline.
Comment: For these reasons, this variant has been classified as Pathogenic. This variant disrupts the C-terminus of the DNAH11 protein. Other variant(s) that disrupt this region (p.Trp4505Serfs*10) have been determined to be pathogenic (Invitae). This suggests that variants that disrupt this region of the protein are likely to be causative of disease. This variant has not been reported in the literature in individuals with DNAH11-related conditions. This variant is not present in population databases (ExAC no frequency). This sequence change results in a premature translational stop signal in the DNAH11 gene (p.Glu4500Aspfs*18). While this is not anticipated to result in nonsense mediated decay, it is expected to disrupt the last 17 amino acids of the DNAH11 protein.